The following is an entry in ClinVar:

ClinVar aggregate classification (germline): Uncertain significance (1 of 4 stars; one submission).

Submission:

Ambry Genetics
Classification: Uncertain significance. Last evaluated: 2026-03-12. Review status: criteria provided, single submitter. Criteria: Ambry Variant Classification Scheme 2023. Collection method: clinical testing. Allele origin: germline.
Comment: The p.I643K variant (also known as c.1928T>A), located in coding exon 13 of the GEN1 gene, results from a T to A substitution at nucleotide position 1928. The isoleucine at codon 643 is replaced by lysine, an amino acid with dissimilar properties. This amino acid position is conserved. In addition, this alteration is predicted to be tolerated by in silico analysis. Based on the available evidence, the clinical significance of this variant remains unclear.

NM_001130009.3(GEN1):c.1928T>A (p.Ile643Lys)

Gene: GEN1 (GEN1 structure-specific endonuclease; plus strand). Cytogenetic location: 2p24.2.
Variant type: single nucleotide variant.
Coding change: c.1928T>A on transcript NM_001130009.3 (MANE Select); coding-DNA position 1928, T replaced by A.
Protein change: p.Ile643Lys; replaces isoleucine 643 with lysine.
Molecular consequence: missense variant.
Genome position (GRCh38, 1-based): chr2:17,781,140, T>A. VCF-style: chr2-17781140-T-A. GRCh37 (hg19) VCF-style: chr2-17962407-T-A.
Other names: c.1928T>A, p.Ile643Lys (NM_182625.5); short protein forms I643K.
Identifiers: ClinVar variation 4826307 (VCV004826307.1).
Genomic context (GRCh38, chr2:17,781,140, plus strand): 5'-ATGGCTTTGAAAATATCCCAGAACAACTGTCCTGTGAATCAGAAAGGTACACTGCAAACA[T>A]AAAGAAAGTGTTGGATGAGGATTCTGATGGGATTAGTCCTGAAGAGCATCTACTTTCTGG-3'
Protein context (NP_001123481.3, residues 633-653): SCESERYTAN[Ile643Lys]KKVLDEDSDG